The following is an entry in ClinVar:

NM_004006.3(DMD):c.548G>A (p.Trp183Ter)

Gene: DMD (dystrophin; minus strand). Cytogenetic location: Xp21.1.
Variant type: single nucleotide variant.
Coding change: c.548G>A on transcript NM_004006.3 (MANE Select); coding-DNA position 548, G replaced by A.
Protein change: p.Trp183Ter; replaces tryptophan 183 with a stop codon.
Molecular consequence: nonsense.
Genome position (GRCh38, 1-based): chrX:32,809,594, C>T on the plus strand (G>A on the coding strand, the complement: DMD is on the minus strand). VCF-style: chrX-32809594-C-T. GRCh37 (hg19) VCF-style: chrX-32827711-C-T.
Other names: c.524G>A, p.Trp175Ter (NM_000109.4); c.536G>A, p.Trp179Ter (NM_004009.3); c.179G>A, p.Trp60Ter (NM_004010.3); short protein forms W175*, W183*, W60*, W179*.
Identifiers: ClinVar variation 2048935 (VCV002048935.5), dbSNP rs2524189062, ClinGen allele CA412673971.

ClinVar aggregate classification (germline): Pathogenic. Review status: criteria provided, multiple submitters, no conflicts (2 of 4 stars). 2 submissions from 2 submitters: Pathogenic (2). Last evaluated 2024-08-27.

Conditions:
Duchenne muscular dystrophy (DMD). Also called: MUSCULAR DYSTROPHY, PSEUDOHYPERTROPHIC PROGRESSIVE, DUCHENNE TYPE; Duchenne Muscular Dystrophy (DMD). Identifiers: Orphanet 98896, MedGen C0013264, MONDO:0010679, OMIM 310200.

Submissions (2):

3billion
Classification: Pathogenic for Duchenne muscular dystrophy. Last evaluated: 2024-08-27. Review status: criteria provided, single submitter. Criteria: ACMG Guidelines, 2015. Collection method: clinical testing. Allele origin: germline. Affected: yes.
Comment: The variant is not observed in the gnomAD v4.0.0 dataset. Predicted Consequence/Location: Stop-gained (nonsense): predicted to result in a loss or disruption of normal protein function through nonsense-mediated decay (NMD) or protein truncation. Multiple pathogenic variants are reported downstream of the variant. The variant has been reported to be associated with DMD-related disorder (ClinVar ID: VCV002048935). Therefore, this variant is classified as Pathogenic according to the recommendation of ACMG/AMP guideline.

Labcorp Genetics (formerly Invitae), Labcorp
Classification: Pathogenic for Duchenne muscular dystrophy. Last evaluated: 2021-12-19. Review status: criteria provided, single submitter. Criteria: Invitae Variant Classification Sherloc (09022015). Collection method: clinical testing. Allele origin: germline.
Comment: For these reasons, this variant has been classified as Pathogenic. This premature translational stop signal has been observed in individual(s) with clinical features of DMD-related conditions (PMID: 19937601). This variant is not present in population databases (gnomAD no frequency). This sequence change creates a premature translational stop signal (p.Trp183*) in the DMD gene. It is expected to result in an absent or disrupted protein product. Loss-of-function variants in DMD are known to be pathogenic (PMID: 16770791, 25007885).

Literature cited by the submitters: PubMed 19937601 (cited by Labcorp Genetics (formerly Invitae), Labcorp); PubMed 16770791 (cited by Labcorp Genetics (formerly Invitae), Labcorp); PubMed 25007885 (cited by Labcorp Genetics (formerly Invitae), Labcorp).